The following is an entry in ClinVar:

NM_013275.6(ANKRD11):c.646G>A (p.Val216Ile)

Gene: ANKRD11 (ankyrin repeat domain 11; minus strand). Cytogenetic location: 16q24.3.
Variant type: single nucleotide variant.
Coding change: c.646G>A on transcript NM_013275.6 (MANE Select); coding-DNA position 646, G replaced by A.
Protein change: p.Val216Ile; replaces valine 216 with isoleucine.
Molecular consequence: missense variant. On other transcripts: non-coding transcript variant (1).
Genome position (GRCh38, 1-based): chr16:89,288,626, C>T on the plus strand (G>A on the coding strand, the complement: ANKRD11 is on the minus strand). VCF-style: chr16-89288626-C-T. GRCh37 (hg19) VCF-style: chr16-89355034-C-T.
Other names: c.646G>A, p.Val216Ile (NM_001256182.2, NM_001256183.2); short protein forms V216I.
Identifiers: ClinVar variation 771289 (VCV000771289.32), dbSNP rs369972559, ClinGen allele CA8243018.

ClinVar aggregate classification (germline): Benign/Likely benign. Review status: criteria provided, multiple submitters, no conflicts (2 of 4 stars). 3 submissions from 3 submitters: Benign (1); Likely benign (2). Last evaluated 2025-11-01.

Conditions:
ANKRD11-related disorder. Also called: ANKRD11-related condition.
KBG syndrome (KBGS). Also called: ANKRD11-Related KBG Syndrome. Identifiers: Orphanet 2332, MedGen C0220687, MONDO:0007846, OMIM 148050.

Allele frequency attached by ClinVar (database versions not stated): 1000 Genomes Project 0.00060; TOPMed 0.00005; gnomAD exomes 0.00006 and 0.00024; gnomAD 0.00011 and 0.00013; ExAC 0.00017; 1000 Genomes Project 30x 0.00047.
gnomAD v4.1: 114 of 1,614,086 alleles (0.0071%); highest among the groups gnomAD compares: East Asian, 0.16%; no homozygotes.

Submissions (3):

CeGaT Center for Human Genetics Tuebingen
Classification: Benign. Last evaluated: 2025-11-01. Review status: criteria provided, single submitter. Criteria: CeGaT Center For Human Genetics Tuebingen Variant Classification Criteria Version 2. Collection method: clinical testing. Allele origin: germline. Affected: yes. Observed: 3 variant alleles.
Comment: ANKRD11: BS1, BS2

PreventionGenetics, part of Exact Sciences
Classification: Likely benign for ANKRD11-related condition. Last evaluated: 2025-10-23. Review status: criteria provided, single submitter. Criteria: ACMG Guidelines, 2015. Collection method: clinical testing. Allele origin: germline.
Comment: This variant is classified as likely benign based on ACMG/AMP sequence variant interpretation guidelines (Richards et al. 2015 PMID: 25741868, with internal and published modifications).

Labcorp Genetics (formerly Invitae), Labcorp
Classification: Likely benign for KBG syndrome. Last evaluated: 2025-06-29. Review status: criteria provided, single submitter. Criteria: Invitae Variant Classification Sherloc (09022015). Collection method: clinical testing. Allele origin: germline.